The following is an entry in ClinVar:

ClinVar aggregate classification (germline): Uncertain significance. Review status: criteria provided, multiple submitters, no conflicts (2 of 4 stars). 2 submissions from 2 submitters: Uncertain significance (2). Last evaluated 2023-04-04.

Conditions:
Hydrocephalus, nonsyndromic, autosomal recessive 2. Also called: Hydrocephalus, congenital, 2, with or without brain or eye anomalies. Identifiers: Orphanet 2185, MedGen C3554691, MONDO:0014085, OMIM 615219.

Allele frequency attached by ClinVar (database versions not stated): TOPMed 0.00002.
gnomAD v4.1: 2 of 1,609,670 alleles (0.00012%); highest among the groups gnomAD compares: Admixed American, 0.0017%; no homozygotes.

Submissions (2):

Baylor Genetics
Classification: Uncertain significance for Hydrocephalus, nonsyndromic, autosomal recessive 2. Last evaluated: 2023-04-04. Review status: criteria provided, single submitter. Criteria: ACMG Guidelines, 2015. Collection method: clinical testing. Allele origin: unknown.

Labcorp Genetics (formerly Invitae), Labcorp
Classification: Uncertain significance. Last evaluated: 2022-08-06. Review status: criteria provided, single submitter. Criteria: Invitae Variant Classification Sherloc (09022015). Collection method: clinical testing. Allele origin: germline.
Comment: This sequence change replaces lysine, which is basic and polar, with arginine, which is basic and polar, at codon 142 of the MPDZ protein (p.Lys142Arg). This variant is not present in population databases (gnomAD no frequency). This variant has not been reported in the literature in individuals affected with MPDZ-related conditions. Algorithms developed to predict the effect of missense changes on protein structure and function are either unavailable or do not agree on the potential impact of this missense change (SIFT: "Deleterious"; PolyPhen-2: "Benign"; Align-GVGD: "Class C25"). In summary, the available evidence is currently insufficient to determine the role of this variant in disease. Therefore, it has been classified as a Variant of Uncertain Significance.

NM_001378778.1(MPDZ):c.425A>G (p.Lys142Arg)

Gene: MPDZ (multiple PDZ domain crumbs cell polarity complex component; minus strand). Cytogenetic location: 9p23.
Variant type: single nucleotide variant.
Coding change: c.425A>G on transcript NM_001378778.1 (MANE Select); coding-DNA position 425, A replaced by G.
Protein change: p.Lys142Arg; replaces lysine 142 with arginine.
Molecular consequence: missense variant.
Genome position (GRCh38, 1-based): chr9:13,223,679, T>C on the plus strand (A>G on the coding strand, the complement: MPDZ is on the minus strand). VCF-style: chr9-13223679-T-C. GRCh37 (hg19) VCF-style: chr9-13223678-T-C.
Other names: c.425A>G, p.Lys142Arg (NM_001261406.2, NM_001261407.2, NM_001330637.2 and 14 more transcripts); c.425A>G (NM_003829.4); short protein forms K142R.
Identifiers: ClinVar variation 1923651 (VCV001923651.6), dbSNP rs1490915251, ClinGen allele CA372947689.
Genomic context (GRCh38, chr9:13,223,679, plus strand): 5'-TCTCCTCTGTTTTCACTTCTTAGTCCCACAACACTAAACCCAAGGCCTCCAGATGGAGGT[T>C]TGAGGAGCTCAAAAACTTCTACATGGCGACCCTGTTTAGGAAACAAAGCAAGAAATAAAA-3'
Protein context (NP_001365707.1, residues 132-152): GRHVEVFELL[Lys142Arg]PPSGGLGFSV